The following is an entry in ClinVar:

NM_144670.6(A2ML1):c.2540G>A (p.Cys847Tyr)

Gene: A2ML1 (alpha-2-macroglobulin like 1; plus strand). Cytogenetic location: 12p13.31.
Variant type: single nucleotide variant.
Coding change: c.2540G>A on transcript NM_144670.6 (MANE Select); coding-DNA position 2540, G replaced by A.
Protein change: p.Cys847Tyr; replaces cysteine 847 with tyrosine.
Molecular consequence: missense variant.
Genome position (GRCh38, 1-based): chr12:8,852,286, G>A. VCF-style: chr12-8852286-G-A. GRCh37 (hg19) VCF-style: chr12-9004882-G-A.
Other names: c.1067G>A, p.Cys356Tyr (NM_001282424.3); short protein forms C847Y, C356Y.
Identifiers: ClinVar variation 3515752 (VCV003515752.1).

ClinVar aggregate classification (germline): Uncertain significance (1 of 4 stars; one submission).

gnomAD v4.1: 5 of 1,614,144 alleles (0.00031%); highest among the groups gnomAD compares: African/African-American, 0.0013%; no homozygotes.

Submission:

Ambry Genetics
Classification: Uncertain significance. Last evaluated: 2024-07-24. Review status: criteria provided, single submitter. Criteria: Ambry Variant Classification Scheme 2023. Collection method: clinical testing. Allele origin: germline.
Comment: The p.C847Y variant (also known as c.2540G>A), located in coding exon 20 of the A2ML1 gene, results from a G to A substitution at nucleotide position 2540. The cysteine at codon 847 is replaced by tyrosine, an amino acid with highly dissimilar properties. This amino acid position is conserved. In addition, the in silico prediction for this alteration is inconclusive. Based on the available evidence, the clinical significance of this variant remains unclear.